The following is an entry in ClinVar:

ClinVar aggregate classification (germline): Uncertain significance (1 of 4 stars; one submission).

Allele frequency attached by ClinVar (database versions not stated): TOPMed 0.00001.
gnomAD v4.1: 9 of 1,441,148 alleles (0.00062%); highest among the groups gnomAD compares: South Asian, 0.0059%; no homozygotes.

Submission:

Labcorp Genetics (formerly Invitae), Labcorp
Classification: Uncertain significance. Last evaluated: 2024-09-19. Review status: criteria provided, single submitter. Criteria: Invitae Variant Classification Sherloc (09022015). Collection method: clinical testing. Allele origin: germline.
Comment: This sequence change replaces aspartic acid, which is acidic and polar, with asparagine, which is neutral and polar, at codon 414 of the CAMK2B protein (p.Asp414Asn). This variant is not present in population databases (gnomAD no frequency). This variant has not been reported in the literature in individuals affected with CAMK2B-related conditions. ClinVar contains an entry for this variant (Variation ID: 1989001). An algorithm developed to predict the effect of missense changes on protein structure and function (PolyPhen-2) suggests that this variant is likely to be disruptive. In summary, the available evidence is currently insufficient to determine the role of this variant in disease. Therefore, it has been classified as a Variant of Uncertain Significance.

NM_001220.5(CAMK2B):c.1240G>A (p.Asp414Asn)

Gene: CAMK2B (calcium/calmodulin dependent protein kinase II beta; minus strand). Cytogenetic location: 7p13.
Variant type: single nucleotide variant.
Coding change: c.1240G>A on transcript NM_001220.5 (MANE Select); coding-DNA position 1240, G replaced by A.
Protein change: p.Asp414Asn; replaces aspartic acid 414 with asparagine.
Molecular consequence: missense variant. On other transcripts: intron variant (8).
Genome position (GRCh38, 1-based): chr7:44,229,487, C>T on the plus strand (G>A on the coding strand, the complement: CAMK2B is on the minus strand). VCF-style: chr7-44229487-C-T. GRCh37 (hg19) VCF-style: chr7-44269086-C-T.
Other names: c.947-8586G>A (NM_172084.3); c.1150+1519G>A (NM_172080.3); c.1036+1519G>A (NM_172083.3); c.1108+1519G>A (NM_172081.3); c.1153+1519G>A (NM_172079.3, NM_172082.3); c.1225+1519G>A (NM_001293170.2, NM_172078.3); short protein forms D414N.
Identifiers: ClinVar variation 1989001 (VCV001989001.4), dbSNP rs1421929860, ClinGen allele CA367374793.